The following is an entry in ClinVar:

ClinVar aggregate classification (germline): Pathogenic (1 of 4 stars; one submission).

Conditions:
Aicardi-Goutieres syndrome 2. Identifiers: Orphanet 51, MedGen C3489724, MONDO:0012429, OMIM 610181.

Submission:

Women's Health and Genetics/Laboratory Corporation of America, LabCorp
Classification: Pathogenic for Aicardi-Goutieres syndrome 2. Last evaluated: 2025-10-22. Review status: criteria provided, single submitter. Criteria: LabCorp Variant Classification Summary - May 2015. Collection method: clinical testing. Allele origin: germline.
Comment: Variant summary: RNASEH2B c.281dupT (p.Phe95IlefsX11) results in a premature termination codon, predicted to cause a truncation of the encoded protein or absence of the protein due to nonsense mediated decay, which are commonly known mechanisms for disease. The variant was absent in 251402 control chromosomes. To our knowledge, no occurrence of c.281dupT in individuals affected with RNASEH2B-related conditions and no experimental evidence demonstrating its impact on protein function have been reported. No submitters have cited clinical-significance assessments for this variant to ClinVar. Based on the evidence outlined above, the variant was classified as pathogenic.

NM_024570.4(RNASEH2B):c.281dup (p.Phe95fs)

Gene: RNASEH2B (ribonuclease H2 subunit B; plus strand). Cytogenetic location: 13q14.3.
Variant type: Duplication.
Coding change: c.281dup on transcript NM_024570.4 (MANE Select); coding-DNA position 281, one base duplicated (T; older notation c.281dupT).
Protein change: p.Phe95fs; shifts the reading frame from phenylalanine 95.
Molecular consequence: frameshift variant.
Genome position (GRCh38, 1-based): chr13:50,930,719, T duplicated. VCF-style (leftmost placement, unchanged base first): chr13-50930718-C-CT. GRCh37 (hg19) VCF-style: chr13-51504854-C-CT.
Other names: c.281dupT (NM_024570.4); c.281dup, p.Phe95fs (NM_001142279.2, NM_001411023.1); short protein forms F95fs.
Identifiers: ClinVar variation 4687841 (VCV004687841.1).